The following is an entry in ClinVar:

ClinVar aggregate classification (germline): Pathogenic (1 of 4 stars; one submission).

Conditions:
Epilepsy, childhood absence, susceptibility to, 1. Also called: Epilepsy, childhood absence 1. Identifiers: Orphanet 64280, MedGen C1838604, MONDO:0020759, OMIM 600131.
Epilepsy, childhood absence, susceptibility to, 5. Identifiers: Orphanet 64280, MedGen C2677087, MONDO:0012843, OMIM 612269.

Submission:

Labcorp Genetics (formerly Invitae), Labcorp
Classification: Pathogenic for Epilepsy, childhood absence, susceptibility to, 5; Epilepsy, childhood absence, susceptibility to, 1. Last evaluated: 2022-05-10. Review status: criteria provided, single submitter. Criteria: Invitae Variant Classification Sherloc (09022015). Collection method: clinical testing. Allele origin: germline.
Comment: Algorithms developed to predict the effect of sequence changes on RNA splicing suggest that this variant may disrupt the consensus splice site. This sequence change creates a premature translational stop signal (p.Gly58Valfs*8) in the GABRB3 gene. It is expected to result in an absent or disrupted protein product. Loss-of-function variants in GABRB3 are known to be pathogenic (PMID: 26950270, 28053010). This variant is not present in population databases (gnomAD no frequency). This variant has not been reported in the literature in individuals affected with GABRB3-related conditions. This variant is also known as c.172+1del. ClinVar contains an entry for this variant (Variation ID: 969517). For these reasons, this variant has been classified as Pathogenic.

Literature cited by the submitters: PubMed 26950270; PubMed 28053010.

NM_000814.6(GABRB3):c.172+1del

Gene: GABRB3 (gamma-aminobutyric acid type A receptor subunit beta3; minus strand). Cytogenetic location: 15q12.
Variant type: Deletion.
Coding change: c.172+1del on transcript NM_000814.6 (MANE Select); the canonical splice donor site of the intron after coding-DNA position 172, one base deleted (G; older notation c.172+1delG).
Molecular consequence: splice donor variant.
Genome position (GRCh38, 1-based): chr15:26,772,680, C deleted on the plus strand (G on the coding strand, the reverse complement: GABRB3 is on the minus strand); the first of 5 consecutive C bases (chr15:26,772,680-26,772,684); deleting any one gives the same sequence. VCF-style (leftmost placement, unchanged base first): chr15-26772679-AC-A. GRCh37 (hg19) VCF-style: chr15-27017826-AC-A.
Other names: c.172+1del (NM_021912.5); c.-180+1del (NM_001278631.2).
Identifiers: ClinVar variation 969517 (VCV000969517.10), dbSNP rs1891185645, ClinGen allele CA1139663792.